The following is an entry in ClinVar:

ClinVar aggregate classification (germline): Pathogenic/Likely pathogenic. Review status: criteria provided, multiple submitters, no conflicts (2 of 4 stars). 2 submissions from 2 submitters: Pathogenic (1); Likely pathogenic (1). Last evaluated 2024-01-24.

Conditions:
Retinitis pigmentosa 39 (RP39). Identifiers: Orphanet 791, MedGen C3151138, MONDO:0013436, OMIM 613809.
Usher syndrome type 2A. Also called: RETINAL DISEASE IN USHER SYNDROME TYPE IIA, MODIFIER OF; USHER SYNDROME, TYPE IIA. Identifiers: Orphanet 231178, Orphanet 886, MedGen C1848634, MONDO:0010169, OMIM 276901.

Allele frequency attached by ClinVar (database versions not stated): gnomAD exomes below 0.00001.
gnomAD v4.1: 1 of 1,613,042 alleles (0.000062%); highest among the groups gnomAD compares: Non-Finnish European, 0.000085%; no homozygotes.

Submissions (2):

3billion
Classification: Pathogenic for Retinitis pigmentosa 39. Last evaluated: 2024-01-24. Review status: criteria provided, single submitter. Criteria: ACMG Guidelines, 2015. Collection method: clinical testing. Allele origin: germline. Affected: yes.
Comment: The variant is observed at an extremely low frequency in the gnomAD v2.1.1 dataset (total allele frequency: <0.001%). Predicted Consequence/Location: Stop-gained (nonsense): predicted to result in a loss or disruption of normal protein function through nonsense-mediated decay (NMD) or protein truncation. Multiple pathogenic variants are reported downstream of the variant. The variant has been reported to be associated with USH2A-related disorder (ClinVar ID: VCV001725907). Therefore, this variant is classified as Pathogenic according to the recommendation of ACMG/AMP guideline.

Myriad Genetics, Inc.
Classification: Likely pathogenic for Usher syndrome type 2A. Last evaluated: 2022-04-12. Review status: criteria provided, single submitter. Criteria: Myriad Women's Health Autosomal Recessive and X-Linked Classification Criteria (2021). Collection method: clinical testing. Allele origin: unknown.
Comment: NM_206933.2(USH2A):c.793C>T(Q265*) is expected to be pathogenic in the context of USH2A-related disorders. This variant is predicted to lead to an abnormal or absent protein product due to the creation of a premature termination codon in USH2A, a gene where loss-of-function variants are known to be pathogenic. Please note: this variant was assessed in the context of healthy population screening.

NM_206933.4(USH2A):c.793C>T (p.Gln265Ter)

Gene: USH2A (usherin; minus strand). Cytogenetic location: 1q41.
Variant type: single nucleotide variant.
Coding change: c.793C>T on transcript NM_206933.4 (MANE Select); coding-DNA position 793, C replaced by T.
Protein change: p.Gln265Ter; replaces glutamine 265 with a stop codon.
Molecular consequence: nonsense.
Genome position (GRCh38, 1-based): chr1:216,327,646, G>A on the plus strand (C>T on the coding strand, the complement: USH2A is on the minus strand). VCF-style: chr1-216327646-G-A. GRCh37 (hg19) VCF-style: chr1-216500988-G-A.
Other names: c.793C>T, p.Gln265Ter (NM_007123.6); short protein forms Q265*.
Identifiers: ClinVar variation 1725907 (VCV001725907.3), dbSNP rs1458430039, ClinGen allele CA344912918.